The following is an entry in ClinVar:

NM_000036.3(AMPD1):c.143C>T (p.Pro48Leu)

Gene: AMPD1 (adenosine monophosphate deaminase 1; minus strand). Cytogenetic location: 1p13.2.
Variant type: single nucleotide variant.
Coding change: c.143C>T on transcript NM_000036.3 (MANE Select); coding-DNA position 143, C replaced by T.
Protein change: p.Pro48Leu; replaces proline 48 with leucine.
Molecular consequence: missense variant.
Genome position (GRCh38, 1-based): chr1:114,688,633, G>A on the plus strand (C>T on the coding strand, the complement: AMPD1 is on the minus strand). VCF-style: chr1-114688633-G-A. GRCh37 (hg19) VCF-style: chr1-115231254-G-A.
Other names: Pro48Leu; P48L; c.131C>T, p.Pro44Leu (NM_001172626.2); short protein forms P81L, P44L.
Identifiers: ClinVar variation 50897 (VCV000050897.48), dbSNP rs61752479, ClinGen allele CA1020547.
Genomic context (GRCh38, chr1:114,688,633, plus strand): 5'-GTGGAGGTGGACAGAGTCTCCAGATGGAATATGTGTGCTTGCATCTCATGATGAGAAATC[G>A]GACAGATCTCATCCACATCAAAGGGGGAAATCTCCTGACGACCTCCTTCATCTTTGACTT-3'
Protein context (NP_000027.3, residues 38-58): ISPFDVDEIC[Pro48Leu]ISHHEMQAHI

ClinVar aggregate classification (germline): Conflicting classifications of pathogenicity; other. Review status: criteria provided, conflicting classifications (1 of 4 stars). 8 submissions from 8 submitters: Uncertain significance (1); Benign (3); Likely benign (1). 2 of the submissions do not count toward it. Last evaluated 2026-02-03.

Conditions:
AMPD1-related disorder. Also called: AMPD1-related condition.
Muscle AMP deaminase deficiency (MMDD). Also called: Myoadenylate deaminase deficiency, myopathy due to; Adenosine monophosphate deaminase 1 deficiency; AMP deaminase 1 deficiency; Adenosine Monophosphate Deaminase 1; AMPD1 DEFICIENCY; ADENOSINE MONOPHOSPHATE DEAMINASE-1 DEFICIENCY, MYOPATHY DUE TO. Identifiers: Orphanet 45, MedGen C3714933, MONDO:0014220, OMIM 615511.

Allele frequency attached by ClinVar (database versions not stated): 1000 Genomes Project 0.03894; TOPMed 0.07985; gnomAD 0.08616 and 0.08857; ESP Exome Variant Server 0.09588; ExAC 0.08836; 1000 Genomes Project 30x 0.03998.
gnomAD v4.1: 181,109 of 1,613,946 alleles (11%); highest among the groups gnomAD compares: Non-Finnish European, 13%; 11,561 homozygotes.

Submissions (8):

Labcorp Genetics (formerly Invitae), Labcorp
Classification: Benign for Muscle AMP deaminase deficiency. Last evaluated: 2026-02-03. Review status: criteria provided, single submitter. Criteria: Invitae Variant Classification Sherloc (09022015). Collection method: clinical testing. Allele origin: germline.

GeneDx
Classification: Benign. Last evaluated: 2021-06-09. Review status: criteria provided, single submitter. Criteria: GeneDx Variant Classification Process June 2021. Collection method: clinical testing. Allele origin: germline. Affected: yes.
Comment: This variant is associated with the following publications: (PMID: 1631143, 33250842, 21228398, 20981092)

Dubai Health Genomic Medicine Center, Dubai Health
Classification: Benign for Muscle AMP deaminase deficiency. Last evaluated: 2020-01-06. Review status: criteria provided, single submitter. Criteria: ACMG Guidelines, 2015. Collection method: clinical testing. Allele origin: germline. Affected: yes.

CeGaT Center for Human Genetics Tuebingen
Classification: Uncertain significance. Last evaluated: 2018-06-01. Review status: criteria provided, single submitter. Criteria: CeGaT Center For Human Genetics Tuebingen Variant Classification Criteria Version 2. Collection method: clinical testing. Allele origin: germline. Affected: yes. Observed: 1 variant allele.

Eurofins Ntd Llc (ga)
Classification: other. Last evaluated: 2018-02-07. Review status: criteria provided, single submitter. Criteria: EGL Classification Definitions 2015. Collection method: clinical testing. Allele origin: germline. Observed: 200 variant alleles, 166 heterozygotes, 34 homozygotes.

Breakthrough Genomics
Classification: Likely benign. Review status: criteria provided, single submitter. Criteria: ACMG Guidelines, 2015. Collection method: not provided. Allele origin: germline. Inheritance: Autosomal recessive inheritance. Affected: yes.

PreventionGenetics, part of Exact Sciences
Classification: Likely benign for AMPD1-related condition. Last evaluated: 2023-12-01. Review status: no assertion criteria provided. Collection method: clinical testing. Allele origin: germline. Not counted in ClinVar's aggregate classification.
Comment: This variant is classified as likely benign based on ACMG/AMP sequence variant interpretation guidelines (Richards et al. 2015 PMID: 25741868, with internal and published modifications).

Clinical Genomics Laboratory, Stanford Medicine
Classification: Uncertain significance for Muscle AMP deaminase deficiency. Last evaluated: 2021-01-06. Review status: no assertion criteria provided. Collection method: clinical testing. Allele origin: germline. Inheritance: Autosomal recessive inheritance. Affected: yes. Observed: 1 heterozygote. Not counted in ClinVar's aggregate classification.
Comment: The p.Pro81Leu variant in the AMPD1 gene has been previously reported in 11 unrelated individuals with reported AMPD deficiency (Morisaki et al., 1992). Of note, all individuals were homozygous for this variant as well as the p.Gln45* variant. The highest allele frequency of the p.Pro81Leu variant was identified in the European population at 17,214/129,128 chromosomes (13.33%) by the Genome Aggregation Database. Computational tools predict that the p.Pro81Leu variant is deleterious; however, the accuracy of in silico algorithms is limited. These data were assessed using the ACMG/AMP variant interpretation guidelines. In summary, the significance of the p.Pro81Leu variant is uncertain. Additional information is needed to resolve the significance of this variant. [ACMG evidence codes used: PP3]

Literature cited by the submitters: PubMed 1631143 (cited by Eurofins Ntd Llc (ga)).